The following is an entry in ClinVar:

NM_004268.5(MED17):c.1209G>A (p.Lys403=)

Gene: MED17 (mediator complex subunit 17; plus strand). Cytogenetic location: 11q21.
Variant type: single nucleotide variant.
Coding change: c.1209G>A on transcript NM_004268.5 (MANE Select); coding-DNA position 1209, G replaced by A.
Protein change: p.Lys403=; no amino-acid change (lysine 403 retained).
Molecular consequence: synonymous variant.
Genome position (GRCh38, 1-based): chr11:93,797,600, G>A. VCF-style: chr11-93797600-G-A. GRCh37 (hg19) VCF-style: chr11-93530766-G-A.
Identifiers: ClinVar variation 722563 (VCV000722563.16), dbSNP rs534953424, ClinGen allele CA6232562.

ClinVar aggregate classification (germline): Likely benign. Review status: criteria provided, multiple submitters, no conflicts (2 of 4 stars). 4 submissions from 4 submitters: Likely benign (4). Last evaluated 2026-06-09.

Conditions:
MED17-related disorder. Also called: MED17-related condition.

Allele frequency attached by ClinVar (database versions not stated): ExAC 0.00004; gnomAD exomes 0.00005 and 0.00015; TOPMed 0.00005; gnomAD 0.00008 and 0.00009.
gnomAD v4.1: 224 of 1,613,988 alleles (0.014%); highest among the groups gnomAD compares: Non-Finnish European, 0.018%; no homozygotes.

Submissions (4):

PreventionGenetics, part of Exact Sciences
Classification: Likely benign for MED17-related condition. Last evaluated: 2026-06-09. Review status: criteria provided, single submitter. Criteria: ACMG Guidelines, 2015. Collection method: clinical testing. Allele origin: germline.
Comment: This variant is classified as likely benign based on ACMG/AMP sequence variant interpretation guidelines (Richards et al. 2015 PMID: 25741868, with internal and published modifications).

Labcorp Genetics (formerly Invitae), Labcorp
Classification: Likely benign. Last evaluated: 2026-01-09. Review status: criteria provided, single submitter. Criteria: Invitae Variant Classification Sherloc (09022015). Collection method: clinical testing. Allele origin: germline.

Blueprint Genetics
Classification: Likely benign. Last evaluated: 2023-12-18. Review status: criteria provided, single submitter. Criteria: ACMG Guidelines, 2015. Collection method: clinical testing. Allele origin: germline.

Genetic Services Laboratory, University of Chicago
Classification: Likely benign. Last evaluated: 2019-01-10. Review status: criteria provided, single submitter. Criteria: ACMG Guidelines, 2015. Collection method: clinical testing. Allele origin: germline. Affected: no.